The following is an entry in ClinVar:

ClinVar aggregate classification (germline): Uncertain significance (1 of 4 stars; one submission).

Conditions:
Fanconi anemia (FA). Also called: Fanconi's anemia. Identifiers: Orphanet 84, MedGen C0015625, MeSH D005199, MONDO:0019391.

Allele frequency attached by ClinVar (database versions not stated): TOPMed below 0.00001; ExAC 0.00002; gnomAD exomes 0.00002; ESP Exome Variant Server 0.00008.
gnomAD v4.1: 31 of 1,612,874 alleles (0.0019%); highest among the groups gnomAD compares: Non-Finnish European, 0.0026%; no homozygotes.

Submission:

Labcorp Genetics (formerly Invitae), Labcorp
Classification: Uncertain significance for Fanconi anemia. Last evaluated: 2023-07-17. Review status: criteria provided, single submitter. Criteria: Invitae Variant Classification Sherloc (09022015). Collection method: clinical testing. Allele origin: germline.
Comment: In summary, the available evidence is currently insufficient to determine the role of this variant in disease. Therefore, it has been classified as a Variant of Uncertain Significance. Algorithms developed to predict the effect of missense changes on protein structure and function output the following: SIFT: "Not Available"; PolyPhen-2: "Benign"; Align-GVGD: "Not Available". The isoleucine amino acid residue is found in multiple mammalian species, which suggests that this missense change does not adversely affect protein function. This variant has not been reported in the literature in individuals affected with FANCM-related conditions. This variant is present in population databases (rs369614103, gnomAD 0.002%). This sequence change replaces valine, which is neutral and non-polar, with isoleucine, which is neutral and non-polar, at codon 1209 of the FANCM protein (p.Val1209Ile).

NM_020937.4(FANCM):c.3625G>A (p.Val1209Ile)

Gene: FANCM (FA complementation group M; plus strand). Cytogenetic location: 14q21.2.
Variant type: single nucleotide variant.
Coding change: c.3625G>A on transcript NM_020937.4 (MANE Select); coding-DNA position 3625, G replaced by A.
Protein change: p.Val1209Ile; replaces valine 1209 with isoleucine.
Molecular consequence: missense variant.
Genome position (GRCh38, 1-based): chr14:45,176,379, G>A. VCF-style: chr14-45176379-G-A. GRCh37 (hg19) VCF-style: chr14-45645582-G-A.
Other names: c.3547G>A, p.Val1183Ile (NM_001308133.2); short protein forms V1183I, V1209I.
Identifiers: ClinVar variation 2884565 (VCV002884565.3), dbSNP rs369614103, ClinGen allele CA7169543.